The following is an entry in ClinVar:

ClinVar aggregate classification (germline): Uncertain significance. Review status: criteria provided, multiple submitters, no conflicts (2 of 4 stars). 3 submissions from 3 submitters: Uncertain significance (3). Last evaluated 2023-02-04.

Conditions:
Hereditary cancer-predisposing syndrome. Also called: Neoplastic Syndromes, Hereditary; Hereditary Cancer Syndrome; Tumor predisposition; Hereditary neoplastic syndrome. Identifiers: Orphanet 140162, MedGen C0027672, MeSH D009386, MONDO:0015356.
Ataxia-telangiectasia syndrome (AT). Also called: LOUIS-BAR SYNDROME; Cerebello-oculocutaneous telangiectasia; Immunodeficiency with ataxia telangiectasia; Ataxia-telangiectasia, complementation group D; AT, COMPLEMENTATION GROUP C; Ataxia-telangiectasia, complementation group E. Identifiers: Orphanet 100, MedGen C0004135, MONDO:0008840, OMIM 208900.

Submissions (3):

Labcorp Genetics (formerly Invitae), Labcorp
Classification: Uncertain significance for Ataxia-telangiectasia syndrome. Last evaluated: 2023-02-04. Review status: criteria provided, single submitter. Criteria: Invitae Variant Classification Sherloc (09022015). Collection method: clinical testing. Allele origin: germline.
Comment: This sequence change replaces glutamine, which is neutral and polar, with lysine, which is basic and polar, at codon 2651 of the ATM protein (p.Gln2651Lys). In summary, the available evidence is currently insufficient to determine the role of this variant in disease. Therefore, it has been classified as a Variant of Uncertain Significance. Algorithms developed to predict the effect of missense changes on protein structure and function are either unavailable or do not agree on the potential impact of this missense change (SIFT: "Tolerated"; PolyPhen-2: "Possibly Damaging"; Align-GVGD: "Class C0"). ClinVar contains an entry for this variant (Variation ID: 422430). This variant has not been reported in the literature in individuals affected with ATM-related conditions. This variant is not present in population databases (gnomAD no frequency).

Ambry Genetics
Classification: Uncertain significance for Hereditary cancer-predisposing syndrome. Last evaluated: 2022-03-08. Review status: criteria provided, single submitter. Criteria: Ambry Variant Classification Scheme 2023. Collection method: clinical testing. Allele origin: germline.
Comment: The p.Q2651K variant (also known as c.7951C>A), located in coding exon 53 of the ATM gene, results from a C to A substitution at nucleotide position 7951. The glutamine at codon 2651 is replaced by lysine, an amino acid with similar properties. This amino acid position is highly conserved in available vertebrate species. In addition, the in silico prediction for this alteration is inconclusive. Since supporting evidence is limited at this time, the clinical significance of this alteration remains unclear.

GeneDx
Classification: Uncertain significance. Last evaluated: 2016-10-04. Review status: criteria provided, single submitter. Criteria: GeneDx Variant Classification (06012015). Collection method: clinical testing. Allele origin: germline. Affected: yes.
Comment: This variant is denoted ATM c.7951C>A at the cDNA level, p.Gln2651Lys (Q2651K) at the protein level, and results in the change of a Glutamine to a Lysine (CAG>AAG). This variant has not, to our knowledge, been published in the literature as a germline variant; however, it has been reported as a somatic variant in a lung tumor (de Leng 2016). ATM Gln2651Lys was not observed in approximately 6,500 individuals of European and African American ancestry in the NHLBI Exome Sequencing Project, suggesting it is not a common benign variant in these populations. Since Glutamine and Lysine differ in some properties, this is considered a semi-conservative amino acid substitution. ATM Gln2651Lys occurs at a position that is conserved across species and is not located in a known functional domain (Stracker 2013). In silico analyses are inconsistent regarding the effect this variant may have on protein structure and function. Based on currently available evidence, it is unclear whether ATM Gln2651Lys is a pathogenic or benign variant. We consider it to be a variant of uncertain significance.

NM_000051.4(ATM):c.7951C>A (p.Gln2651Lys)

Genes: ATM (ATM serine/threonine kinase; plus strand), C11orf65 (chromosome 11 open reading frame 65; minus strand). Cytogenetic location: 11q22.3.
Variant type: single nucleotide variant.
Coding change: c.7951C>A on transcript NM_000051.4 (MANE Select); coding-DNA position 7951, C replaced by A.
Protein change: p.Gln2651Lys; replaces glutamine 2651 with lysine.
Molecular consequence: missense variant. On other transcripts: intron variant (2).
Genome position (GRCh38, 1-based): chr11:108,333,909, C>A. VCF-style: chr11-108333909-C-A. GRCh37 (hg19) VCF-style: chr11-108204636-C-A.
Other names: c.7951C>A, p.Gln2651Lys (NM_001351834.2); c.641-24838G>T (NM_001330368.2); c.*38+1311G>T (NM_001351110.2); short protein forms Q2651K.
Identifiers: ClinVar variation 422430 (VCV000422430.9), dbSNP rs587781994, ClinGen allele CA16619244.